The following is an entry in ClinVar:

NM_005633.4(SOS1):c.3658G>T (p.Val1220Leu)

Gene: SOS1 (SOS Ras/Rac guanine nucleotide exchange factor 1; minus strand). Cytogenetic location: 2p22.1.
Variant type: single nucleotide variant.
Coding change: c.3658G>T on transcript NM_005633.4 (MANE Select); coding-DNA position 3658, G replaced by T.
Protein change: p.Val1220Leu; replaces valine 1220 with leucine.
Molecular consequence: missense variant.
Genome position (GRCh38, 1-based): chr2:38,986,168, C>A on the plus strand (G>T on the coding strand, the complement: SOS1 is on the minus strand). VCF-style: chr2-38986168-C-A. GRCh37 (hg19) VCF-style: chr2-39213309-C-A.
Other names: c.3637G>T, p.Val1213Leu (NM_001382394.1); c.3613G>T, p.Val1205Leu (NM_001382395.1); short protein forms V1220L, V1205L, V1213L.
Identifiers: ClinVar variation 496305 (VCV000496305.1), dbSNP rs776814547, ClinGen allele CA346362583.

ClinVar aggregate classification (germline): Uncertain significance (1 of 4 stars; one submission).

Submission:

Women's Health and Genetics/Laboratory Corporation of America, LabCorp
Classification: Uncertain significance. Last evaluated: 2016-03-21. Review status: criteria provided, single submitter. Criteria: LabCorp Variant Classification Summary - May 2015. Collection method: clinical testing. Allele origin: germline.
Comment: Variant summary: The SOS1 c.3658G>T variant affects a conserved nucleotide, resulting in amino acid change from Val to Leu. 3/5 in-silico tools predict this variant to be benign. 5/5 programs in Alamut predict that this variant does not affect normal splicing. ESE finder predicts that this variant may affect multiple ESE sites. However, these predictions are not confirmed by experimental studies. This variant was not found in 121376 control chromosomes. The variant of interest has not, to our knowledge, been reported in affected individuals via publications and/or reputable databases/clinical laboratories; nor evaluated for functional impact by in vivo/vitro studies. Because of the absence of clinical information and the lack of functional studies, the variant was classified as a variant of uncertain significance (VUS) until additional information becomes available.